The following is an entry in ClinVar:

ClinVar aggregate classification (germline): Uncertain significance. Review status: criteria provided, single submitter (1 of 4 stars). 2 submissions from 2 submitters: Uncertain significance (1). 1 of the submissions does not count toward it. Last evaluated 2023-06-09.

Conditions:
ACTN4-related disorder. Also called: ACTN4-related condition.

Allele frequency attached by ClinVar (database versions not stated): gnomAD 0.00004; TOPMed 0.00004; ExAC 0.00005; gnomAD exomes 0.00007.
gnomAD v4.1: 103 of 1,612,678 alleles (0.0064%); highest among the groups gnomAD compares: Non-Finnish European, 0.0081%; no homozygotes.

Submissions (2):

Labcorp Genetics (formerly Invitae), Labcorp
Classification: Uncertain significance. Last evaluated: 2023-06-09. Review status: criteria provided, single submitter. Criteria: Invitae Variant Classification Sherloc (09022015). Collection method: clinical testing. Allele origin: germline.
Comment: In summary, the available evidence is currently insufficient to determine the role of this variant in disease. Therefore, it has been classified as a Variant of Uncertain Significance. Variants that disrupt the consensus splice site are a relatively common cause of aberrant splicing (PMID: 17576681, 9536098). Algorithms developed to predict the effect of sequence changes on RNA splicing suggest that this variant is not likely to affect RNA splicing. This variant has not been reported in the literature in individuals affected with ACTN4-related conditions. This variant is present in population databases (rs760286046, gnomAD 0.01%). This sequence change falls in intron 20 of the ACTN4 gene. It does not directly change the encoded amino acid sequence of the ACTN4 protein. It affects a nucleotide within the consensus splice site.

PreventionGenetics, part of Exact Sciences
Classification: Likely benign for ACTN4-related condition. Last evaluated: 2022-03-14. Review status: no assertion criteria provided. Collection method: clinical testing. Allele origin: germline. Not counted in ClinVar's aggregate classification.
Comment: This variant is classified as likely benign based on ACMG/AMP sequence variant interpretation guidelines (Richards et al. 2015 PMID: 25741868, with internal and published modifications).

Literature cited by the submitters: PubMed 17576681 (cited by Labcorp Genetics (formerly Invitae), Labcorp); PubMed 9536098 (cited by Labcorp Genetics (formerly Invitae), Labcorp).

NM_004924.6(ACTN4):c.2577+6C>T

Gene: ACTN4 (actinin alpha 4; plus strand). Cytogenetic location: 19q13.2.
Variant type: single nucleotide variant.
Coding change: c.2577+6C>T on transcript NM_004924.6 (MANE Select); 6 bases into the intron after coding-DNA position 2577, C replaced by T.
Molecular consequence: intron variant.
Genome position (GRCh38, 1-based): chr19:38,729,160, C>T. VCF-style: chr19-38729160-C-T. GRCh37 (hg19) VCF-style: chr19-39219800-C-T.
Other names: c.2577+6C>T (NM_001411143.1, NM_004924.5); c.2562+6C>T (NM_001322033.2).
Identifiers: ClinVar variation 2900068 (VCV002900068.5), dbSNP rs760286046, ClinGen allele CA9418084.
Genomic context (GRCh38, chr19:38,729,160, plus strand): 5'-CACGGACACGGCTGACCAGGTCATCGCTTCCTTCAAGGTCTTAGCAGGGGACAAGGTGAG[C>T]GAGACCCCTACGAGGTGCATGGGGGCTGGCGAGAGGGGTCCCTGCAGTGGGAGGGGCTGA-3'